The following is an entry in ClinVar:

NM_015158.5(KANK1):c.556A>G (p.Ser186Gly)

Gene: KANK1 (KN motif and ankyrin repeat domains 1; plus strand). Cytogenetic location: 9p24.3.
Variant type: single nucleotide variant.
Coding change: c.556A>G on transcript NM_015158.5 (MANE Select); coding-DNA position 556, A replaced by G.
Protein change: p.Ser186Gly; replaces serine 186 with glycine.
Molecular consequence: missense variant. On other transcripts: non-coding transcript variant (1).
Genome position (GRCh38, 1-based): chr9:711,322, A>G. VCF-style: chr9-711322-A-G. GRCh37 (hg19) VCF-style: chr9-711322-A-G.
Other names: c.556A>G, p.Ser186Gly (NM_001256876.3, NM_001256877.3, NM_001354331.2 and 2 more transcripts); c.82A>G, p.Ser28Gly (NM_001354333.2, NM_001354335.2, NM_001354336.2 and 9 more transcripts); short protein forms S186G, S28G.
Identifiers: ClinVar variation 1714510 (VCV001714510.5), dbSNP rs2539687021, ClinGen allele CA372746400.
Genomic context (GRCh38, chr9:711,322, plus strand): 5'-GAACAGGAGAGAGCCACCATGCAGATGACACCGGGTGAGTTCAGAAGGCCCAGGCTGGCC[A>G]GTTTTGGAGGCATGGGCACCACAAGCTCCCTCCCTTCTTTTGTGGGTTCTGGAAACCACA-3'
Protein context (NP_055973.2, residues 176-196): PGEFRRPRLA[Ser186Gly]FGGMGTTSSL

ClinVar aggregate classification (germline): Uncertain significance (1 of 4 stars; one submission).

Submission:

Labcorp Genetics (formerly Invitae), Labcorp
Classification: Uncertain significance. Last evaluated: 2022-07-30. Review status: criteria provided, single submitter. Criteria: Invitae Variant Classification Sherloc (09022015). Collection method: clinical testing. Allele origin: germline.
Comment: In summary, the available evidence is currently insufficient to determine the role of this variant in disease. Therefore, it has been classified as a Variant of Uncertain Significance. Algorithms developed to predict the effect of missense changes on protein structure and function are either unavailable or do not agree on the potential impact of this missense change (SIFT: "Deleterious"; PolyPhen-2: "Probably Damaging"; Align-GVGD: "Class C0"). This variant has not been reported in the literature in individuals affected with KANK1-related conditions. This variant is not present in population databases (gnomAD no frequency). This sequence change replaces serine, which is neutral and polar, with glycine, which is neutral and non-polar, at codon 186 of the KANK1 protein (p.Ser186Gly).